The following is an entry in ClinVar:

NM_000061.3:c.495_(520+1_521-1)del

Gene: BTK (Bruton tyrosine kinase; minus strand).
Variant type: Deletion.
Other names: c.495_(520+1_521-1)del (NM_000061.3).
Identifiers: ClinVar variation 3359016 (VCV003359016.2).

ClinVar aggregate classification (germline): Pathogenic (1 of 4 stars; one submission).

Conditions:
X-linked agammaglobulinemia (XLA). Also called: Agammaglobulinemia, Bruton tyrosine kinase; Agammaglobulinemia, BTK; BTK-deficiency; IMMUNODEFICIENCY 1; Bruton-type agammaglobulinemia; Bruton's agammaglobulinemia. Identifiers: Orphanet 229717, Orphanet 47, MedGen C0221026, MONDO:0010421, OMIM 300755.

Submission:

Institute of Human Genetics, University of Leipzig Medical Center
Classification: Pathogenic for X-linked agammaglobulinemia. Last evaluated: 2024-06-06. Review status: criteria provided, single submitter. Criteria: ACMG Guidelines, 2015. Collection method: clinical testing. Allele origin: unknown. Inheritance: X-linked recessive inheritance. Affected: yes.
Comment: Criteria applied: PVS1,PM2